The following is an entry in ClinVar:

ClinVar aggregate classification (germline): Uncertain significance (1 of 4 stars; one submission).

Allele frequency attached by ClinVar (database versions not stated): gnomAD 0.00001 and 0.00002; TOPMed 0.00001; ExAC 0.00002; gnomAD exomes 0.00002 and 0.00003; ESP Exome Variant Server 0.00008.

Submission:

Labcorp Genetics (formerly Invitae), Labcorp
Classification: Uncertain significance. Last evaluated: 2025-02-03. Review status: criteria provided, single submitter. Criteria: Invitae Variant Classification Sherloc (09022015). Collection method: clinical testing. Allele origin: germline.
Comment: This sequence change replaces aspartic acid, which is acidic and polar, with asparagine, which is neutral and polar, at codon 2420 of the DCHS1 protein (p.Asp2420Asn). This variant is present in population databases (rs371690696, gnomAD 0.008%). This variant has not been reported in the literature in individuals affected with DCHS1-related conditions. ClinVar contains an entry for this variant (Variation ID: 1403428). Invitae Evidence Modeling of protein sequence and biophysical properties (such as structural, functional, and spatial information, amino acid conservation, physicochemical variation, residue mobility, and thermodynamic stability) indicates that this missense variant is not expected to disrupt DCHS1 protein function with a negative predictive value of 95%. In summary, the available evidence is currently insufficient to determine the role of this variant in disease. Therefore, it has been classified as a Variant of Uncertain Significance.

NM_003737.4(DCHS1):c.7258G>A (p.Asp2420Asn)

Gene: DCHS1 (dachsous cadherin-related 1; minus strand). Cytogenetic location: 11p15.4.
Variant type: single nucleotide variant.
Coding change: c.7258G>A on transcript NM_003737.4 (MANE Select); coding-DNA position 7258, G replaced by A.
Protein change: p.Asp2420Asn; replaces aspartic acid 2420 with asparagine.
Molecular consequence: missense variant.
Genome position (GRCh38, 1-based): chr11:6,624,757, C>T on the plus strand (G>A on the coding strand, the complement: DCHS1 is on the minus strand). VCF-style: chr11-6624757-C-T. GRCh37 (hg19) VCF-style: chr11-6645988-C-T.
Other names: short protein forms D2420N.
Identifiers: ClinVar variation 1403428 (VCV001403428.6), dbSNP rs371690696, ClinGen allele CA5859646.
Genomic context (GRCh38, chr11:6,624,757, plus strand): 5'-AAAGGCAAGGGGCAGATCCTGGGAAAGACGCACCATTGTTGGGGTCAACACTGAAGCCAT[C>T]GGCAGGGGAAGCCAGGTGGTAGGAAATGTGACCGTTGGCACCTGAGTCCCGATCAGTGGC-3'
Protein context (NP_003728.1, residues 2410-2430): HISYHLASPA[Asp2420Asn]GFSVDPNNGT